The following is an entry in ClinVar:

NM_001008216.2(GALE):c.307G>T (p.Asp103Tyr)

Gene: GALE (UDP-galactose-4-epimerase; minus strand). Cytogenetic location: 1p36.11.
Variant type: single nucleotide variant.
Coding change: c.307G>T on transcript NM_001008216.2 (MANE Select); coding-DNA position 307, G replaced by T.
Protein change: p.Asp103Tyr; replaces aspartic acid 103 with tyrosine.
Molecular consequence: missense variant.
Genome position (GRCh38, 1-based): chr1:23,798,161, C>A on the plus strand (G>T on the coding strand, the complement: GALE is on the minus strand). VCF-style: chr1-23798161-C-A. GRCh37 (hg19) VCF-style: chr1-24124651-C-A.
Other names: c.307G>T, p.Asp103Tyr (NM_000403.4, NM_001127621.2); short protein forms D103Y.
Identifiers: ClinVar variation 572886 (VCV000572886.10), dbSNP rs542486536, ClinGen allele CA685701.

ClinVar aggregate classification (germline): Uncertain significance. Review status: criteria provided, multiple submitters, no conflicts (2 of 4 stars). 4 submissions from 4 submitters: Uncertain significance (4). Last evaluated 2025-02-04.

Conditions:
Inborn genetic diseases. Identifiers: MedGen C0950123, MeSH D030342.
UDPglucose-4-epimerase deficiency. Also called: Epimerase Deficiency Galactosemia; Galactose epimerase deficiency; UDP-GALACTOSE-4-EPIMERASE DEFICIENCY; GALACTOSEMIA III; GALE DEFICIENCY; UDPglucose 4-Epimerase Deficiency Disease. Identifiers: Orphanet 352, Orphanet 79238, MedGen C0751161, MONDO:0009257, OMIM 230350.

Allele frequency attached by ClinVar (database versions not stated): gnomAD exomes 0.00004 and 0.00007; gnomAD 0.00005 and 0.00006; ExAC 0.00006; TOPMed 0.00006.
gnomAD v4.1: 63 of 1,614,018 alleles (0.0039%); highest among the groups gnomAD compares: Middle Eastern, 0.12%; no homozygotes.

Submissions (4):

Ambry Genetics
Classification: Uncertain significance for Inborn genetic diseases. Last evaluated: 2025-02-04. Review status: criteria provided, single submitter. Criteria: Ambry Variant Classification Scheme 2023. Collection method: clinical testing. Allele origin: germline.

Labcorp Genetics (formerly Invitae), Labcorp
Classification: Uncertain significance for UDPglucose-4-epimerase deficiency. Last evaluated: 2021-12-27. Review status: criteria provided, single submitter. Criteria: Invitae Variant Classification Sherloc (09022015). Collection method: clinical testing. Allele origin: germline.
Comment: This sequence change replaces aspartic acid, which is acidic and polar, with tyrosine, which is neutral and polar, at codon 103 of the GALE protein (p.Asp103Tyr). This variant is present in population databases (rs542486536, gnomAD 0.01%). This variant has not been reported in the literature in individuals affected with GALE-related conditions. ClinVar contains an entry for this variant (Variation ID: 572886). Algorithms developed to predict the effect of missense changes on protein structure and function are either unavailable or do not agree on the potential impact of this missense change (SIFT: "Deleterious"; PolyPhen-2: "Possibly Damaging"; Align-GVGD: "Class C0"). In summary, the available evidence is currently insufficient to determine the role of this variant in disease. Therefore, it has been classified as a Variant of Uncertain Significance.

Fulgent Genetics
Classification: Uncertain significance for UDPglucose-4-epimerase deficiency. Last evaluated: 2021-07-20. Review status: criteria provided, single submitter. Criteria: ACMG Guidelines, 2015. Collection method: clinical testing. Allele origin: unknown.

Illumina Laboratory Services, Illumina
Classification: Uncertain significance for UDPglucose-4-epimerase deficiency. Last evaluated: 2018-01-13. Review status: criteria provided, single submitter. Criteria: ICSL Variant Classification Criteria 13 December 2019. Collection method: clinical testing. Allele origin: germline.